The following is an entry in ClinVar:

NM_001347721.2(DYRK1A):c.1213-3C>G

Gene: DYRK1A (dual specificity tyrosine phosphorylation regulated kinase 1A; plus strand). Cytogenetic location: 21q22.13.
Variant type: single nucleotide variant.
Coding change: c.1213-3C>G on transcript NM_001347721.2 (MANE Select); 3 bases into the intron before coding-DNA position 1213, C replaced by G.
Molecular consequence: intron variant.
Genome position (GRCh38, 1-based): chr21:37,505,280, C>G. VCF-style: chr21-37505280-C-G. GRCh37 (hg19) VCF-style: chr21-38877583-C-G.
Other names: c.1240-3C>G (NM_001396.5, NM_101395.2, NM_130438.2); c.1213-3C>G (NM_001347722.2, NM_130436.2); c.1126-3C>G (NM_001347723.2).
Identifiers: ClinVar variation 2029082 (VCV002029082.4), dbSNP rs755806405, ClinGen allele CA2580098702.

ClinVar aggregate classification (germline): Pathogenic (1 of 4 stars; one submission).

Conditions:
DYRK1A-related intellectual disability syndrome (MRD7). Also called: DYRK1A Syndrome; Intellectual developmental disorder, autosomal dominant 7. Identifiers: Orphanet 464306, MedGen C5568143, MONDO:0013578, OMIM 614104.

Submission:

Labcorp Genetics (formerly Invitae), Labcorp
Classification: Pathogenic for DYRK1A-related intellectual disability syndrome. Last evaluated: 2022-10-18. Review status: criteria provided, single submitter. Criteria: Invitae Variant Classification Sherloc (09022015). Collection method: clinical testing. Allele origin: germline.
Comment: For these reasons, this variant has been classified as Pathogenic. Variants that disrupt the consensus splice site are a relatively common cause of aberrant splicing (PMID: 17576681, 9536098). Algorithms developed to predict the effect of sequence changes on RNA splicing suggest that this variant may disrupt the consensus splice site. This variant has been observed in individual(s) with clinical features of intellectual disability syndrome (Invitae). In at least one individual the variant was observed to be de novo. This variant is not present in population databases (gnomAD no frequency). This sequence change falls in intron 8 of the DYRK1A gene. It does not directly change the encoded amino acid sequence of the DYRK1A protein. It affects a nucleotide within the consensus splice site.

Literature cited by the submitters: PubMed 17576681; PubMed 9536098.